The following is an entry in ClinVar:

NM_001330260.2(SCN8A):c.3068T>G (p.Phe1023Cys)

Gene: SCN8A (sodium voltage-gated channel alpha subunit 8; plus strand). Cytogenetic location: 12q13.13.
Variant type: single nucleotide variant.
Coding change: c.3068T>G on transcript NM_001330260.2 (MANE Select); coding-DNA position 3068, T replaced by G.
Protein change: p.Phe1023Cys; replaces phenylalanine 1023 with cysteine.
Molecular consequence: missense variant.
Genome position (GRCh38, 1-based): chr12:51,769,031, T>G. VCF-style: chr12-51769031-T-G. GRCh37 (hg19) VCF-style: chr12-52162815-T-G.
Other names: c.3068T>G, p.Phe1023Cys (NM_001177984.3, NM_001369788.1, NM_014191.4); c.3068T>G (NM_014191.3); short protein forms F1023C.
Identifiers: ClinVar variation 2813020 (VCV002813020.4), dbSNP rs2540266121, ClinGen allele CA384892281.

ClinVar aggregate classification (germline): Uncertain significance. Review status: criteria provided, multiple submitters, no conflicts (2 of 4 stars). 2 submissions from 2 submitters: Uncertain significance (2). Last evaluated 2025-06-20.

Conditions:
Early-infantile DEE. Also called: Early infantile epileptic encephalopathy; Early infantile epileptic encephalopathy with suppression bursts; Ohtahara syndrome. Identifiers: Orphanet 1934, MedGen C0393706, MONDO:0800491.

Submissions (2):

GeneDx
Classification: Uncertain significance. Last evaluated: 2025-06-20. Review status: criteria provided, single submitter. Criteria: GeneDx Variant Classification Process June 2021. Collection method: clinical testing. Allele origin: germline. Affected: yes.
Comment: Not observed at significant frequency in large population cohorts (gnomAD); In silico analysis supports that this missense variant has a deleterious effect on protein structure/function; Has not been previously published as pathogenic or benign to our knowledge; This substitution is predicted to be within the cytoplasmic loop between the second and third homologous domains

Labcorp Genetics (formerly Invitae), Labcorp
Classification: Uncertain significance for Early-infantile DEE. Last evaluated: 2023-04-24. Review status: criteria provided, single submitter. Criteria: Invitae Variant Classification Sherloc (09022015). Collection method: clinical testing. Allele origin: germline.
Comment: This sequence change replaces phenylalanine, which is neutral and non-polar, with cysteine, which is neutral and slightly polar, at codon 1023 of the SCN8A protein (p.Phe1023Cys). In summary, the available evidence is currently insufficient to determine the role of this variant in disease. Therefore, it has been classified as a Variant of Uncertain Significance. Advanced modeling of protein sequence and biophysical properties (such as structural, functional, and spatial information, amino acid conservation, physicochemical variation, residue mobility, and thermodynamic stability) performed at Invitae indicates that this missense variant is not expected to disrupt SCN8A protein function. This variant has not been reported in the literature in individuals affected with SCN8A-related conditions. This variant is not present in population databases (gnomAD no frequency).